The following is an entry in ClinVar:

NM_000330.4(RS1):c.*2G>T

Genes: CDKL5 (cyclin dependent kinase like 5; plus strand), RS1 (retinoschisin 1; minus strand). Cytogenetic location: Xp22.13.
Variant type: single nucleotide variant.
Coding change: c.*2G>T on transcript NM_000330.4 (MANE Select); 2 bases downstream of the stop codon, G replaced by T.
Molecular consequence: 3 prime UTR variant. On other transcripts: intron variant (2).
Genome position (GRCh38, 1-based): chrX:18,642,002, C>A on the plus strand (G>T on the coding strand, the complement: RS1 is on the minus strand). VCF-style: chrX-18642002-C-A. GRCh37 (hg19) VCF-style: chrX-18660122-C-A.
Other names: c.2714-4005C>A (NM_003159.3, NM_001037343.2).
Identifiers: ClinVar variation 3035108 (VCV003035108.3), dbSNP rs756606916, ClinGen allele CA10360594.

ClinVar aggregate classification (germline): Likely benign. Review status: criteria provided, single submitter (1 of 4 stars). 2 submissions from 2 submitters: Likely benign (1). 1 of the submissions does not count toward it. Last evaluated 2024-03-07.

Conditions:
RS1-related disorder. Also called: RS1-related condition.

Allele frequency attached by ClinVar (database versions not stated): TOPMed 0.00022; ExAC 0.00019; gnomAD 0.00021; gnomAD exomes 0.00034.
gnomAD v4.1: 401 of 1,209,631 alleles (0.033%); highest among the groups gnomAD compares: Non-Finnish European, 0.041%; no homozygotes.

Submissions (2):

Blueprint Genetics
Classification: Likely benign. Last evaluated: 2024-03-07. Review status: criteria provided, single submitter. Criteria: ACMG Guidelines, 2015. Collection method: clinical testing. Allele origin: germline.

PreventionGenetics, part of Exact Sciences
Classification: Likely benign for RS1-related condition. Last evaluated: 2019-08-28. Review status: no assertion criteria provided. Collection method: clinical testing. Allele origin: germline. Not counted in ClinVar's aggregate classification.
Comment: This variant is classified as likely benign based on ACMG/AMP sequence variant interpretation guidelines (Richards et al. 2015 PMID: 25741868, with internal and published modifications).